The following is an entry in ClinVar:

NM_000780.4(CYP7A1):c.1176G>A (p.Gln392=)

Genes: CYP7A1 (cytochrome P450 family 7 subfamily A member 1; minus strand), LOC126860400 (BRD4-independent group 4 enhancer GRCh37_chr8:59404317-59405516; plus strand). Cytogenetic location: 8q12.1.
Variant type: single nucleotide variant.
Coding change: c.1176G>A on transcript NM_000780.4 (MANE Select); coding-DNA position 1176, G replaced by A.
Protein change: p.Gln392=; no amino-acid change (glutamine 392 retained).
Molecular consequence: synonymous variant.
Genome position (GRCh38, 1-based): chr8:58,492,392, C>T on the plus strand (G>A on the coding strand, the complement: CYP7A1 is on the minus strand). VCF-style: chr8-58492392-C-T. GRCh37 (hg19) VCF-style: chr8-59404951-C-T.
Identifiers: ClinVar variation 3344500 (VCV003344500.1).

ClinVar aggregate classification (germline): Likely benign (0 of 4 stars; one submission).

Conditions:
CYP7A1-related disorder. Also called: CYP7A1-related condition.

Submission:

PreventionGenetics, part of Exact Sciences
Classification: Likely benign for CYP7A1-related condition. Last evaluated: 2024-07-08. Review status: no assertion criteria provided. Collection method: clinical testing. Allele origin: germline.
Comment: This variant is classified as likely benign based on ACMG/AMP sequence variant interpretation guidelines (Richards et al. 2015 PMID: 25741868, with internal and published modifications).